The following is an entry in ClinVar:

NM_012401.4(PLXNB2):c.2940C>T (p.Arg980=)

Genes: PLXNB2 (plexin B2; minus strand), LOC126863184 (MED14-independent group 3 enhancer GRCh37_chr22:50720546-50721745; plus strand). Cytogenetic location: 22q13.33.
Variant type: single nucleotide variant.
Coding change: c.2940C>T on transcript NM_012401.4 (MANE Select); coding-DNA position 2940, C replaced by T.
Protein change: p.Arg980=; no amino-acid change (arginine 980 retained).
Molecular consequence: synonymous variant.
Genome position (GRCh38, 1-based): chr22:50,282,758, G>A on the plus strand (C>T on the coding strand, the complement: PLXNB2 is on the minus strand). VCF-style: chr22-50282758-G-A. GRCh37 (hg19) VCF-style: chr22-50721187-G-A.
Other names: c.2940C>T, p.Arg980= (NM_001376864.1, NM_001376866.1, NM_001376867.1 and 18 more transcripts); c.3009C>T, p.Arg1003= (NM_001376865.1); c.2847C>T, p.Arg949= (NM_001376886.1).
Identifiers: ClinVar variation 4821124 (VCV004821124.4).

ClinVar aggregate classification (germline): Likely benign (1 of 4 stars; one submission).

Submission:

CeGaT Center for Human Genetics Tuebingen
Classification: Likely benign. Last evaluated: 2026-03-01. Review status: criteria provided, single submitter. Criteria: CeGaT Center For Human Genetics Tuebingen Variant Classification Criteria Version 2. Collection method: clinical testing. Allele origin: germline. Affected: yes. Observed: 1 variant allele.
Comment: PLXNB2: BP4, BP7